The following is an entry in ClinVar:

ClinVar aggregate classification (germline): Uncertain significance (1 of 4 stars; one submission).

Allele frequency attached by ClinVar (database versions not stated): gnomAD exomes below 0.00001; ExAC 0.00001; gnomAD 0.00001; TOPMed 0.00001; ESP Exome Variant Server 0.00008.
gnomAD v4.1: 2 of 1,608,224 alleles (0.00012%); highest among the groups gnomAD compares: Non-Finnish European, 0.00017%; no homozygotes.

Submission:

Labcorp Genetics (formerly Invitae), Labcorp
Classification: Uncertain significance. Last evaluated: 2024-02-16. Review status: criteria provided, single submitter. Criteria: Invitae Variant Classification Sherloc (09022015). Collection method: clinical testing. Allele origin: germline.
Comment: This sequence change replaces valine, which is neutral and non-polar, with alanine, which is neutral and non-polar, at codon 771 of the KCNH1 protein (p.Val771Ala). This variant is present in population databases (rs377640898, gnomAD 0.0009%). This variant has not been reported in the literature in individuals affected with KCNH1-related conditions. ClinVar contains an entry for this variant (Variation ID: 1481519). Advanced modeling of protein sequence and biophysical properties (such as structural, functional, and spatial information, amino acid conservation, physicochemical variation, residue mobility, and thermodynamic stability) performed at Invitae indicates that this missense variant is not expected to disrupt KCNH1 protein function with a negative predictive value of 95%. In summary, the available evidence is currently insufficient to determine the role of this variant in disease. Therefore, it has been classified as a Variant of Uncertain Significance.

NM_172362.3(KCNH1):c.2312T>C (p.Val771Ala)

Gene: KCNH1 (potassium voltage-gated channel subfamily H member 1; minus strand). Cytogenetic location: 1q32.2.
Variant type: single nucleotide variant.
Coding change: c.2312T>C on transcript NM_172362.3 (MANE Select); coding-DNA position 2312, T replaced by C.
Protein change: p.Val771Ala; replaces valine 771 with alanine.
Molecular consequence: missense variant.
Genome position (GRCh38, 1-based): chr1:210,683,939, A>G on the plus strand (T>C on the coding strand, the complement: KCNH1 is on the minus strand). VCF-style: chr1-210683939-A-G. GRCh37 (hg19) VCF-style: chr1-210857281-A-G.
Other names: c.2231T>C, p.Val744Ala (NM_002238.4); short protein forms V744A, V771A.
Identifiers: ClinVar variation 1481519 (VCV001481519.6), dbSNP rs377640898, ClinGen allele CA1379710.